The following is an entry in ClinVar:

ClinVar aggregate classification (germline): Uncertain significance. Review status: criteria provided, multiple submitters, no conflicts (2 of 4 stars). 2 submissions from 2 submitters: Uncertain significance (2). Last evaluated 2024-08-20.

Conditions:
Hereditary cancer-predisposing syndrome. Also called: Tumor predisposition; Hereditary Cancer Syndrome; Neoplastic Syndromes, Hereditary; Hereditary neoplastic syndrome. Identifiers: Orphanet 140162, MedGen C0027672, MeSH D009386, MONDO:0015356.
Familial adenomatous polyposis 1 (FAP1). Also called: FAMILIAL ADENOMATOUS POLYPOSIS 1, ATTENUATED; POLYPOSIS, ADENOMATOUS INTESTINAL. Identifiers: MedGen C2713442, MONDO:0021056, OMIM 175100. Disease mechanism: loss of function.

gnomAD v4.1: 1 of 1,602,450 alleles (0.000062%); no homozygotes.

Submissions (2):

Ambry Genetics
Classification: Uncertain significance for Hereditary cancer-predisposing syndrome. Last evaluated: 2024-08-20. Review status: criteria provided, single submitter. Criteria: Ambry Variant Classification Scheme 2023. Collection method: clinical testing. Allele origin: germline.
Comment: The p.A2795V variant (also known as c.8384C>T), located in coding exon 15 of the APC gene, results from a C to T substitution at nucleotide position 8384. The alanine at codon 2795 is replaced by valine, an amino acid with similar properties. Missense alterations in APC are not a common cause of disease (Spier I et al. Genet Med. 2024 Feb;26(2):100992). This amino acid position is highly conserved in available vertebrate species. In addition, in silico predictors for this gene do not accurately predict pathogenicity. Based on the available evidence, the clinical significance of this variant remains unclear.

Labcorp Genetics (formerly Invitae), Labcorp
Classification: Uncertain significance for Familial adenomatous polyposis 1. Last evaluated: 2022-09-10. Review status: criteria provided, single submitter. Criteria: Invitae Variant Classification Sherloc (09022015). Collection method: clinical testing. Allele origin: germline.
Comment: This variant has not been reported in the literature in individuals affected with APC-related conditions. In summary, the available evidence is currently insufficient to determine the role of this variant in disease. Therefore, it has been classified as a Variant of Uncertain Significance. Advanced modeling of protein sequence and biophysical properties (such as structural, functional, and spatial information, amino acid conservation, physicochemical variation, residue mobility, and thermodynamic stability) performed at Invitae indicates that this missense variant is not expected to disrupt APC protein function. ClinVar contains an entry for this variant (Variation ID: 822360). This variant is not present in population databases (gnomAD no frequency). This sequence change replaces alanine, which is neutral and non-polar, with valine, which is neutral and non-polar, at codon 2795 of the APC protein (p.Ala2795Val).

NM_000038.6(APC):c.8384C>T (p.Ala2795Val)

Gene: APC (APC regulator of Wnt signaling pathway; plus strand). Cytogenetic location: 5q22.2.
Variant type: single nucleotide variant.
Coding change: c.8384C>T on transcript NM_000038.6 (MANE Select); coding-DNA position 8384, C replaced by T.
Protein change: p.Ala2795Val; replaces alanine 2795 with valine.
Molecular consequence: missense variant.
Genome position (GRCh38, 1-based): chr5:112,843,978, C>T. VCF-style: chr5-112843978-C-T. GRCh37 (hg19) VCF-style: chr5-112179675-C-T.
Other names: c.8384C>T, p.Ala2795Val (NM_001127510.3, NM_001354895.2); c.8330C>T, p.Ala2777Val (NM_001127511.3); c.8438C>T, p.Ala2813Val (NM_001354896.2); c.8414C>T, p.Ala2805Val (NM_001354897.2); c.8309C>T, p.Ala2770Val (NM_001354898.2); c.8300C>T, p.Ala2767Val (NM_001354899.2); c.8261C>T, p.Ala2754Val (NM_001354900.2); c.8207C>T, p.Ala2736Val (NM_001354901.2); and 5 more; short protein forms A2512V, A2813V, A2704V, A2805V, A2669V, A2694V, A2736V, A2754V.
Identifiers: ClinVar variation 822360 (VCV000822360.10), dbSNP rs1580693000, ClinGen allele CA16039531.